The following is an entry in ClinVar:

NM_001130009.3(GEN1):c.59G>A (p.Arg20His)

Gene: GEN1 (GEN1 structure-specific endonuclease; plus strand). Cytogenetic location: 2p24.2.
Variant type: single nucleotide variant.
Coding change: c.59G>A on transcript NM_001130009.3 (MANE Select); coding-DNA position 59, G replaced by A.
Protein change: p.Arg20His; replaces arginine 20 with histidine.
Molecular consequence: missense variant.
Genome position (GRCh38, 1-based): chr2:17,760,002, G>A. VCF-style: chr2-17760002-G-A. GRCh37 (hg19) VCF-style: chr2-17941269-G-A.
Other names: c.59G>A (NM_001130009.1); c.59G>A, p.Arg20His (NM_182625.5); short protein forms R20H.
Identifiers: ClinVar variation 938346 (VCV000938346.10), dbSNP rs375511356, ClinGen allele CA1540299.

ClinVar aggregate classification (germline): Conflicting classifications of pathogenicity. Review status: criteria provided, conflicting classifications (1 of 4 stars). 2 submissions from 2 submitters: Uncertain significance (1); Likely benign (1). Last evaluated 2025-11-26.

Allele frequency attached by ClinVar (database versions not stated): TOPMed 0.00002; ESP Exome Variant Server 0.00008.
gnomAD v4.1: 53 of 1,613,926 alleles (0.0033%); highest among the groups gnomAD compares: African/African-American, 0.0067%; no homozygotes.

Submissions (2):

Ambry Genetics
Classification: Likely benign. Last evaluated: 2025-11-26. Review status: criteria provided, single submitter. Criteria: Ambry Variant Classification Scheme 2023. Collection method: clinical testing. Allele origin: germline.

Labcorp Genetics (formerly Invitae), Labcorp
Classification: Uncertain significance. Last evaluated: 2024-06-23. Review status: criteria provided, single submitter. Criteria: Invitae Variant Classification Sherloc (09022015). Collection method: clinical testing. Allele origin: germline.
Comment: This sequence change replaces arginine, which is basic and polar, with histidine, which is basic and polar, at codon 20 of the GEN1 protein (p.Arg20His). This variant is present in population databases (rs375511356, gnomAD 0.007%). This variant has not been reported in the literature in individuals affected with GEN1-related conditions. ClinVar contains an entry for this variant (Variation ID: 938346). Algorithms developed to predict the effect of missense changes on protein structure and function output the following: SIFT: "Not Available"; PolyPhen-2: "Benign"; Align-GVGD: "Not Available". The histidine amino acid residue is found in multiple mammalian species, which suggests that this missense change does not adversely affect protein function. In summary, the available evidence is currently insufficient to determine the role of this variant in disease. Therefore, it has been classified as a Variant of Uncertain Significance.